The following is an entry in ClinVar:

ClinVar aggregate classification (germline): Likely pathogenic (1 of 4 stars; one submission).

Conditions:
CHARGE syndrome (CHARGE). Also called: Hittner Hirsch Kreh syndrome; CHARGE ASSOCIATION--COLOBOMA, HEART ANOMALY, CHOANAL ATRESIA, RETARDATION, GENITAL AND EAR ANOMALIES; Coloboma, heart anomaly, choanal atresia, retardation, genital and ear anomalies; CHARGE association; Hall-Hittner syndrome. Identifiers: Orphanet 138, MedGen C0265354, MONDO:0008965.
Hypogonadotropic hypogonadism 5 with or without anosmia (KAL5). Also called: CHD7-Related GnRH Deficiency (Kallmann Syndrome 5); HYPOGONADOTROPIC HYPOGONADISM 5 WITH ANOSMIA; HYPOGONADOTROPHIC HYPOGONADISM 5 WITHOUT ANOSMIA. Identifiers: Orphanet 478, MedGen C3552553, MONDO:0012880, OMIM 612370. Disease mechanism: loss of function.

Submission:

Juno Genomics, Hangzhou Juno Genomics, Inc
Classification: Likely pathogenic for CHD7-related CHARGE syndrome; Hypogonadotropic hypogonadism 5 with or without anosmia. Review status: criteria provided, single submitter. Criteria: ACMG Guidelines, 2015. Collection method: clinical testing. Allele origin: germline. Affected: yes.
Comment: Absent from controls (or at extremely low frequency if recessive) in Genome Aggregation Database, Exome Sequencing Project, 1000 Genomes Project, or Exome Aggregation Consortium.;Multiple lines of computational evidence support a deleterious effect on the gene or gene product (conservation, evolutionary, splicing impact, etc).;Assumed de novo, but without confirmation of paternity and maternity.;Patient's phenotype or family history is highly specific for a disease with a single genetic etiology.

NM_017780.4(CHD7):c.4259A>G (p.Tyr1420Cys)

Gene: CHD7 (chromodomain helicase DNA binding protein 7; plus strand). Cytogenetic location: 8q12.2.
Variant type: single nucleotide variant.
Coding change: c.4259A>G on transcript NM_017780.4 (MANE Select); coding-DNA position 4259, A replaced by G.
Protein change: p.Tyr1420Cys; replaces tyrosine 1420 with cysteine.
Molecular consequence: missense variant. On other transcripts: intron variant (1).
Genome position (GRCh38, 1-based): chr8:60,837,741, A>G. VCF-style: chr8-60837741-A-G. GRCh37 (hg19) VCF-style: chr8-61750300-A-G.
Other names: c.1717-24488A>G (NM_001316690.1); short protein forms Y1420C.
Identifiers: ClinVar variation 3382373 (VCV003382373.2).